The following is an entry in ClinVar:

NM_007126.5(VCP):c.284G>A (p.Arg95His)

Gene: VCP (valosin containing protein; minus strand). Cytogenetic location: 9p13.3.
Variant type: single nucleotide variant.
Coding change: c.284G>A on transcript NM_007126.5 (MANE Select); coding-DNA position 284, G replaced by A.
Protein change: p.Arg95His; replaces arginine 95 with histidine.
Molecular consequence: missense variant.
Genome position (GRCh38, 1-based): chr9:35,067,909, C>T on the plus strand (G>A on the coding strand, the complement: VCP is on the minus strand). VCF-style: chr9-35067909-C-T. GRCh37 (hg19) VCF-style: chr9-35067906-C-T.
Other names: c.149G>A, p.Arg50His (NM_001354927.2, NM_001354928.2); short protein forms R50H, R95H.
Identifiers: ClinVar variation 1513178 (VCV001513178.8), dbSNP rs758169026, ClinGen allele CA5039526.

ClinVar aggregate classification (germline): Likely pathogenic (1 of 4 stars; one submission).

Conditions:
Frontotemporal dementia and/or amyotrophic lateral sclerosis 6 (FTDALS6). Also called: VCP-Related Amyotrophic Lateral Sclerosis; VCP-Related Amyotrophic Lateral Sclerosis/Frontotemporal Dementia. Identifiers: Orphanet 275872, Orphanet 803, MedGen C5436279, MONDO:0013501, OMIM 613954.
Inclusion body myopathy with Paget disease of bone and frontotemporal dementia. Also called: Inclusion body myopathy with early-onset Paget disease and frontotemporal dementia. Identifiers: Orphanet 52430, MedGen C1833662, MONDO:0000507.

Allele frequency attached by ClinVar (database versions not stated): ExAC 0.00001; gnomAD 0.00001; gnomAD exomes 0.00001; TOPMed 0.00001.
gnomAD v4.1: 13 of 1,614,064 alleles (0.00081%); highest among the groups gnomAD compares: Non-Finnish European, 0.00059%; no homozygotes.

Submission:

Labcorp Genetics (formerly Invitae), Labcorp
Classification: Likely pathogenic for Inclusion body myopathy with Paget disease of bone and frontotemporal dementia; Frontotemporal dementia and/or amyotrophic lateral sclerosis 6. Last evaluated: 2022-07-26. Review status: criteria provided, single submitter. Criteria: Invitae Variant Classification Sherloc (09022015). Collection method: clinical testing. Allele origin: germline.
Comment: In summary, the currently available evidence indicates that the variant is pathogenic, but additional data are needed to prove that conclusively. Therefore, this variant has been classified as Likely Pathogenic. This variant disrupts the p.Arg95 amino acid residue in VCP. Other variant(s) that disrupt this residue have been determined to be pathogenic (PMID: 15034582, 20604808, 22270372, 22909335, 23333620). This suggests that this residue is clinically significant, and that variants that disrupt this residue are likely to be disease-causing. Algorithms developed to predict the effect of sequence changes on RNA splicing suggest that this variant may disrupt the consensus splice site. Advanced modeling of protein sequence and biophysical properties (such as structural, functional, and spatial information, amino acid conservation, physicochemical variation, residue mobility, and thermodynamic stability) performed at Invitae indicates that this missense variant is expected to disrupt VCP protein function. ClinVar contains an entry for this variant (Variation ID: 1513178). This variant is also known as R92H. This missense change has been observed in individual(s) with clinical features of VCP-related conditions (PMID: 17622780; Invitae). This variant is present in population databases (rs758169026, gnomAD 0.008%). This sequence change replaces arginine, which is basic and polar, with histidine, which is basic and polar, at codon 95 of the VCP protein (p.Arg95His).

Literature cited by the submitters: PubMed 15034582; PubMed 20604808; PubMed 22270372; PubMed 22909335; PubMed 23333620; PubMed 17622780.